The following is an entry in ClinVar:

ClinVar aggregate classification (germline): Pathogenic. Review status: criteria provided, single submitter (1 of 4 stars). 2 submissions from 2 submitters: Pathogenic (1). 1 of the submissions does not count toward it. Last evaluated 2018-10-19.

Conditions:
CHARGE syndrome (CHARGE). Also called: Coloboma, heart anomaly, choanal atresia, retardation, genital and ear anomalies; CHARGE association; Hall-Hittner syndrome; Hittner Hirsch Kreh syndrome; CHARGE ASSOCIATION--COLOBOMA, HEART ANOMALY, CHOANAL ATRESIA, RETARDATION, GENITAL AND EAR ANOMALIES. Identifiers: Orphanet 138, MedGen C0265354, MONDO:0008965.

Submissions (2):

GeneDx
Classification: Pathogenic. Last evaluated: 2018-10-19. Review status: criteria provided, single submitter. Criteria: GeneDx Variant Classification (06012015). Collection method: clinical testing. Allele origin: germline. Affected: yes.
Comment: The Y2601X variant in the CHD7 gene has not been reported previously as a pathogenic variant nor as a benign variant, to our knowledge. This variant is predicted to cause loss of normal protein function either through protein truncation or nonsense-mediated mRNA decay. The Y2601X variant is not observed in large population cohorts (Lek et al., 2016). We interpret Y2601X as a pathogenic variant.

Center for Molecular Medicine, Children’s Hospital of Fudan University
Classification: Pathogenic for CHD7-related CHARGE syndrome. Last evaluated: 2021-10-05. Review status: no assertion criteria provided. Collection method: clinical testing. Allele origin: de novo. Affected: yes. Not counted in ClinVar's aggregate classification.

NM_017780.4(CHD7):c.7803C>A (p.Tyr2601Ter)

Gene: CHD7 (chromodomain helicase DNA binding protein 7; plus strand). Cytogenetic location: 8q12.2.
Variant type: single nucleotide variant.
Coding change: c.7803C>A on transcript NM_017780.4 (MANE Select); coding-DNA position 7803, C replaced by A.
Protein change: p.Tyr2601Ter; replaces tyrosine 2601 with a stop codon.
Molecular consequence: nonsense. On other transcripts: intron variant (1).
Genome position (GRCh38, 1-based): chr8:60,861,098, C>A. VCF-style: chr8-60861098-C-A. GRCh37 (hg19) VCF-style: chr8-61773657-C-A.
Other names: c.7803C>A (LRG_176t1); c.1717-1131C>A (NM_001316690.1); short protein forms Y2601*.
Identifiers: ClinVar variation 620425 (VCV000620425.5), dbSNP rs1563669432, ClinGen allele CA371304732.